The following is an entry in ClinVar:

ClinVar aggregate classification (germline): Uncertain significance (1 of 4 stars; one submission).

Conditions:
Intellectual developmental disorder, autosomal dominant 53. Also called: MENTAL RETARDATION, AUTOSOMAL DOMINANT 53; Intellectual disability, autosomal dominant 53. Identifiers: MedGen C4540481, MONDO:0030919, OMIM 617798.

Submission:

Institute of Human Genetics, University of Goettingen
Classification: Uncertain significance for Intellectual developmental disorder, autosomal dominant 53. Last evaluated: 2023-06-30. Review status: criteria provided, single submitter. Criteria: ACMG Guidelines, 2015. Collection method: clinical testing. Allele origin: unknown. Inheritance: Sporadic. Observed: 1 heterozygote.
Comment: The variant c.1419G>A (p.(Trp473*)) in exon 18 of the CAMK2A gene is not found in the gnomAD database and changes the protein sequence starting at position 473 and interrupts the reading frame prematurely. This variant affects a highly conserved nucleotide within a protein domain. ACMG criteria used for classification: PVS1_mod, PM2_mod.

NM_015981.4(CAMK2A):c.1419G>A (p.Trp473Ter)

Gene: CAMK2A (calcium/calmodulin dependent protein kinase II alpha; minus strand). Cytogenetic location: 5q32.
Variant type: single nucleotide variant.
Coding change: c.1419G>A on transcript NM_015981.4 (MANE Select); coding-DNA position 1419, G replaced by A.
Protein change: p.Trp473Ter; replaces tryptophan 473 with a stop codon.
Molecular consequence: nonsense.
Genome position (GRCh38, 1-based): chr5:150,223,036, C>T on the plus strand (G>A on the coding strand, the complement: CAMK2A is on the minus strand). VCF-style: chr5-150223036-C-T. GRCh37 (hg19) VCF-style: chr5-149602599-C-T.
Other names: c.1419G>A, p.Trp473Ter (NM_001363989.1); c.1386G>A, p.Trp462Ter (NM_001363990.1, NM_001369025.2, NM_171825.3); short protein forms W462*, W473*.
Identifiers: ClinVar variation 2506989 (VCV002506989.2), dbSNP rs2481475905, ClinGen allele CA361739122.